The following is an entry in ClinVar:

NM_004706.4(ARHGEF1):c.225+6G>A

Gene: ARHGEF1 (Rho guanine nucleotide exchange factor 1; plus strand). Cytogenetic location: 19q13.2.
Variant type: single nucleotide variant.
Coding change: c.225+6G>A on transcript NM_004706.4 (MANE Select); 6 bases into the intron after coding-DNA position 225, G replaced by A.
Molecular consequence: intron variant.
Genome position (GRCh38, 1-based): chr19:41,888,871, G>A. VCF-style: chr19-41888871-G-A. GRCh37 (hg19) VCF-style: chr19-42392942-G-A.
Other names: c.225+6G>A (NM_198977.2); c.270+6G>A (NM_199002.2).
Identifiers: ClinVar variation 1414317 (VCV001414317.6), dbSNP rs200824499, ClinGen allele CA9465818.

ClinVar aggregate classification (germline): Uncertain significance (1 of 4 stars; one submission).

Allele frequency attached by ClinVar (database versions not stated): gnomAD 0.00006; TOPMed 0.00008; gnomAD exomes 0.00010 and 0.00013; ExAC 0.00011; 1000 Genomes Project 30x 0.00016; 1000 Genomes Project 0.00020; ESP Exome Variant Server 0.00039.
gnomAD v4.1: 187 of 1,608,126 alleles (0.012%); highest among the groups gnomAD compares: Middle Eastern, 0.017%; no homozygotes.

Submission:

Labcorp Genetics (formerly Invitae), Labcorp
Classification: Uncertain significance. Last evaluated: 2025-10-26. Review status: criteria provided, single submitter. Criteria: Invitae Variant Classification Sherloc (09022015). Collection method: clinical testing. Allele origin: germline.
Comment: This sequence change falls in intron 4 of the ARHGEF1 gene. It does not directly change the encoded amino acid sequence of the ARHGEF1 protein. It affects a nucleotide within the consensus splice site. This variant is present in population databases (rs200824499, gnomAD 0.02%). This variant has not been reported in the literature in individuals affected with ARHGEF1-related conditions. ClinVar contains an entry for this variant (Variation ID: 1414317). Variants that disrupt the consensus splice site are a relatively common cause of aberrant splicing (PMID: 17576681, 9536098). Algorithms developed to predict the effect of sequence changes on RNA splicing suggest that this variant is not likely to affect RNA splicing. In summary, the available evidence is currently insufficient to determine the role of this variant in disease. Therefore, it has been classified as a Variant of Uncertain Significance.

Literature cited by the submitters: PubMed 17576681; PubMed 9536098.